The following is an entry in ClinVar:

ClinVar aggregate classification (germline): Likely benign (1 of 4 stars; one submission).

gnomAD v4.1: 6 of 1,614,102 alleles (0.00037%); highest among the groups gnomAD compares: Middle Eastern, 0.016%; no homozygotes.

Submission:

Athena Diagnostics
Classification: Likely benign. Last evaluated: 2025-05-14. Review status: criteria provided, single submitter. Criteria: Athena Diagnostics Criteria. Collection method: clinical testing. Allele origin: unknown.
Comment: Computational tools yielded predictions that this variant is unlikely to have an effect on normal RNA splicing. This nucleotide position exhibits low evolutionary conservation.

NM_004977.3(KCNC3):c.1428C>T (p.Pro476=)

Gene: KCNC3 (potassium voltage-gated channel subfamily C member 3; minus strand). Cytogenetic location: 19q13.33.
Variant type: single nucleotide variant.
Coding change: c.1428C>T on transcript NM_004977.3 (MANE Select); coding-DNA position 1428, C replaced by T.
Protein change: p.Pro476=; no amino-acid change (proline 476 retained).
Molecular consequence: synonymous variant.
Genome position (GRCh38, 1-based): chr19:50,323,525, G>A on the plus strand (C>T on the coding strand, the complement: KCNC3 is on the minus strand). VCF-style: chr19-50323525-G-A. GRCh37 (hg19) VCF-style: chr19-50826782-G-A.
Other names: c.1200C>T, p.Pro400= (NM_001372305.1).
Identifiers: ClinVar variation 4682403 (VCV004682403.1).